The following is an entry in ClinVar:

ClinVar aggregate classification (germline): Conflicting classifications of pathogenicity. Review status: criteria provided, conflicting classifications (1 of 4 stars). 4 submissions from 4 submitters: Pathogenic (1); Uncertain significance (3). Last evaluated 2024-12-31.

Conditions:
Wiedemann-Steiner syndrome (WDSTS). Also called: Growth deficiency and mental retardation with facial dysmorphism. Identifiers: Orphanet 319182, MedGen C1854630, MONDO:0011518, OMIM 605130.

Allele frequency attached by ClinVar (database versions not stated): ExAC 0.00002; gnomAD exomes 0.00002 and 0.00011; gnomAD 0.00003 and 0.00004; TOPMed 0.00003; ESP Exome Variant Server 0.00015.
gnomAD v4.1: 164 of 1,611,348 alleles (0.01%); highest among the groups gnomAD compares: Non-Finnish European, 0.014%; no homozygotes.

Submissions (4):

Labcorp Genetics (formerly Invitae), Labcorp
Classification: Pathogenic. Last evaluated: 2024-12-31. Review status: criteria provided, single submitter. Criteria: Invitae Variant Classification Sherloc (09022015). Collection method: clinical testing. Allele origin: germline.
Comment: This sequence change affects a donor splice site in intron 28 of the KMT2A gene. RNA analysis indicates that disruption of this splice site induces altered splicing and likely results in a shortened protein product. This variant is present in population databases (rs141515578, gnomAD 0.004%). Disruption of this splice site has been observed in individuals with clinical features of Wiedemann-Steiner syndrome (PMID: 28623346, 33783954; internal data). It has also been observed to segregate with disease in related individuals. ClinVar contains an entry for this variant (Variation ID: 1302962). Studies have shown that disruption of this splice site results in skipping of exon 28, but is expected to preserve the integrity of the reading-frame (PMID: 28623346). For these reasons, this variant has been classified as Pathogenic.

GeneDx
Classification: Uncertain significance. Last evaluated: 2024-08-30. Review status: criteria provided, single submitter. Criteria: GeneDx Variant Classification Process June 2021. Collection method: clinical testing. Allele origin: germline. Affected: yes.
Comment: Identified in a patient with Wiedemann-Steiner syndrome and in a patient with autism spectrum disorder in published literature (PMID: 33783954, 36368308); Canonical splice site variant predicted to result in an in-frame loss of the adjacent exon in a gene for which loss of function is a known mechanism of disease; This variant is associated with the following publications: (PMID: 33783954, 36368308)

Revvity Omics, Revvity
Classification: Uncertain significance for Wiedemann-Steiner syndrome. Last evaluated: 2024-07-17. Review status: criteria provided, single submitter. Criteria: ACMG Guidelines, 2015. Collection method: clinical testing. Allele origin: germline.

Genetic Services Laboratory, University of Chicago
Classification: Uncertain significance. Last evaluated: 2021-06-23. Review status: criteria provided, single submitter. Criteria: ACMG Guidelines, 2015. Collection method: clinical testing. Allele origin: germline. Affected: no.
Comment: DNA sequence analysis of the KMT2A gene demonstrated a sequence change in the canonical splice donor site of intron 28, c.10835+1G>C. This sequence change has been described in the gnomAD database with a frequency of 0.0044% in the non-Finnish European subpopulation (dbSNP rs141515578). This sequence change is predicted to affect mRNA splicing and is likely to result in an absent or truncated protein. Although this sequence change has not been previously reported, a different nucleotide change at this position, c.10835+1G>A, has been identified in individuals with a variety of phenotypes. One individual had language delay, left occipital spikes on electroencephalogram, and isolated agenesis of the corpus callosum (PMID 32094338). Experimental studies demonstrated that this variant (c.10835+1G>A) resulted in skipping of exon 28 and an in-frame deletion of 81 base pairs which was confirmed by analyses on cDNA derived from the patients' blood. Due to insufficient evidences and the lack of functional studies, the clinical significance of the c.10835+1G>C change remains unknown at this time.

Literature cited by the submitters: PubMed 28623346 (cited by Labcorp Genetics (formerly Invitae), Labcorp); PubMed 33783954 (cited by Labcorp Genetics (formerly Invitae), Labcorp).

NM_001197104.2(KMT2A):c.10835+1G>C

Gene: KMT2A (lysine methyltransferase 2A; plus strand). Cytogenetic location: 11q23.3.
Variant type: single nucleotide variant.
Coding change: c.10835+1G>C on transcript NM_001197104.2 (MANE Select); the canonical splice donor site of the intron after coding-DNA position 10835, G replaced by C.
Molecular consequence: splice donor variant.
Genome position (GRCh38, 1-based): chr11:118,507,610, G>C. VCF-style: chr11-118507610-G-C. GRCh37 (hg19) VCF-style: chr11-118378325-G-C.
Other names: c.10925+1G>C (NM_001412597.1); c.10826+1G>C (NM_005933.4).
Identifiers: ClinVar variation 1302962 (VCV001302962.13), dbSNP rs141515578, ClinGen allele CA6304833.